The following is an entry in ClinVar:

ClinVar aggregate classification (germline): Benign/Likely benign. Review status: criteria provided, multiple submitters, no conflicts (2 of 4 stars). 5 submissions from 5 submitters: Benign (2); Likely benign (3). Last evaluated 2025-04-09.

Conditions:
Dystonia 16 (DYT16). Also called: DYT-PRKRA. Identifiers: Orphanet 210571, MedGen C2677567, MONDO:0012789, OMIM 612067.

Allele frequency attached by ClinVar (database versions not stated): ESP Exome Variant Server 0.01261; ExAC 0.02498; 1000 Genomes Project 30x 0.04466; gnomAD 0.04655 and 0.04819; gnomAD exomes 0.05597.
gnomAD v4.1: 87,253 of 1,588,936 alleles (5.5%); highest among the groups gnomAD compares: Non-Finnish European, 6.5%; 3 homozygotes.

Submissions (5):

Mayo Clinic Laboratories, Mayo Clinic
Classification: Likely benign. Last evaluated: 2025-04-09. Review status: criteria provided, single submitter. Criteria: ACMG Guidelines, 2015. Collection method: clinical testing. Allele origin: germline. Observed: 75 variant alleles.
Comment: BS1, BP4, BP7

Blueprint Genetics
Classification: Likely benign. Last evaluated: 2024-11-26. Review status: criteria provided, single submitter. Criteria: ACMG Guidelines, 2015. Collection method: clinical testing. Allele origin: germline.

Fulgent Genetics
Classification: Likely benign for Dystonia 16. Last evaluated: 2021-07-26. Review status: criteria provided, single submitter. Criteria: ACMG Guidelines, 2015. Collection method: clinical testing. Allele origin: unknown.

Illumina Laboratory Services, Illumina
Classification: Benign for Dystonia 16. Last evaluated: 2018-01-13. Review status: criteria provided, single submitter. Criteria: ICSL Variant Classification Criteria 13 December 2019. Collection method: clinical testing. Allele origin: germline.
Comment: This variant was observed in the ICSL laboratory as part of a predisposition screen in an ostensibly healthy population. It had not been previously curated by ICSL or reported in the Human Gene Mutation Database (HGMD: prior to June 1st, 2018), and was therefore a candidate for classification through an automated scoring system. Utilizing variant allele frequency, disease prevalence and penetrance estimates, and inheritance mode, an automated score was calculated to assess if this variant is too frequent to cause the disease. Based on the score and internal cut-off values, a variant classified as benign is not then subjected to further curation. The score for this variant resulted in a classification of benign for this disease.

Breakthrough Genomics
Classification: Benign. Review status: criteria provided, single submitter. Criteria: ACMG Guidelines, 2015. Collection method: not provided. Allele origin: germline. Inheritance: Autosomal recessive inheritance. Affected: yes.

NM_003690.5(PRKRA):c.549T>C (p.Asn183=)

Gene: PRKRA (protein activator of interferon induced protein kinase EIF2AK2; minus strand). Cytogenetic location: 2q31.2.
Variant type: single nucleotide variant.
Coding change: c.549T>C on transcript NM_003690.5 (MANE Select); coding-DNA position 549, T replaced by C.
Protein change: p.Asn183=; no amino-acid change (asparagine 183 retained).
Molecular consequence: synonymous variant.
Genome position (GRCh38, 1-based): chr2:178,441,670, A>G on the plus strand (T>C on the coding strand, the complement: PRKRA is on the minus strand). VCF-style: chr2-178441670-A-G. GRCh37 (hg19) VCF-style: chr2-179306397-A-G.
Other names: p.Asn183=; c.516T>C, p.Asn172= (NM_001139517.2); c.474T>C, p.Asn158= (NM_001139518.2); c.210T>C, p.Asn70= (NM_001316362.2).
Identifiers: ClinVar variation 332626 (VCV000332626.9), dbSNP rs61746229, ClinGen allele CA1983851.